The following is an entry in ClinVar:

ClinVar aggregate classification (germline): Uncertain significance (1 of 4 stars; one submission).

Conditions:
Hereditary cancer-predisposing syndrome. Also called: Hereditary Cancer Syndrome; Neoplastic Syndromes, Hereditary; Tumor predisposition; Hereditary neoplastic syndrome. Identifiers: Orphanet 140162, MedGen C0027672, MeSH D009386, MONDO:0015356.

Submission:

Ambry Genetics
Classification: Uncertain significance for Hereditary cancer-predisposing syndrome. Last evaluated: 2025-11-19. Review status: criteria provided, single submitter. Criteria: Ambry Variant Classification Scheme 2023. Collection method: clinical testing. Allele origin: germline.
Comment: The p.T2771K variant (also known as c.8312C>A), located in coding exon 56 of the ATM gene, results from a C to A substitution at nucleotide position 8312. The threonine at codon 2771 is replaced by lysine, an amino acid with similar properties. This amino acid position is conserved. In addition, the in silico prediction for this alteration is inconclusive. Based on the available evidence, the clinical significance of this variant remains unclear.

NM_000051.4(ATM):c.8312C>A (p.Thr2771Lys)

Genes: ATM (ATM serine/threonine kinase; plus strand), C11orf65 (chromosome 11 open reading frame 65; minus strand). Cytogenetic location: 11q22.3.
Variant type: single nucleotide variant.
Coding change: c.8312C>A on transcript NM_000051.4 (MANE Select); coding-DNA position 8312, C replaced by A.
Protein change: p.Thr2771Lys; replaces threonine 2771 with lysine.
Molecular consequence: missense variant. On other transcripts: intron variant (2).
Genome position (GRCh38, 1-based): chr11:108,343,265, C>A. VCF-style: chr11-108343265-C-A. GRCh37 (hg19) VCF-style: chr11-108213992-C-A.
Other names: c.8312C>A, p.Thr2771Lys (NM_001351834.2); c.641-34194G>T (NM_001330368.2); c.695-7973G>T (NM_001351110.2); short protein forms T2771K.
Identifiers: ClinVar variation 4618466 (VCV004618466.1).